The following is an entry in ClinVar:

NM_007294.4(BRCA1):c.2279C>T (p.Thr760Ile)

Gene: BRCA1 (BRCA1 DNA repair associated; minus strand). Cytogenetic location: 17q21.31.
Variant type: single nucleotide variant.
Coding change: c.2279C>T on transcript NM_007294.4 (MANE Select); coding-DNA position 2279, C replaced by T.
Protein change: p.Thr760Ile; replaces threonine 760 with isoleucine.
Molecular consequence: missense variant. On other transcripts: intron variant (137).
Genome position (GRCh38, 1-based): chr17:43,093,252, G>A on the plus strand (C>T on the coding strand, the complement: BRCA1 is on the minus strand). VCF-style: chr17-43093252-G-A. GRCh37 (hg19) VCF-style: chr17-41245269-G-A.
Other names: c.2156C>T, p.Thr719Ile (NM_001407937.1, NM_001407938.1, NM_001407939.1 and 19 more transcripts); c.2153C>T, p.Thr718Ile (NM_001407940.1, NM_001407941.1, NM_001407649.1 and 11 more transcripts); c.2138C>T, p.Thr713Ile (NM_001407942.1, NM_001407945.1, NM_001407944.1 and 29 more transcripts); c.1946C>T, p.Thr649Ile (NM_001407953.1, NM_001407946.1, NM_001407947.1 and 6 more transcripts); c.1943C>T, p.Thr648Ile (NM_001407954.1, NM_001407955.1, NM_001407956.1 and 1 more transcripts); c.1898C>T, p.Thr633Ile (NM_001407960.1, NM_001407963.1, NM_001407959.1); c.1895C>T, p.Thr632Ile (NM_001407962.1); c.2135C>T, p.Thr712Ile (NM_001407964.1, NM_001407943.1, NM_001407740.1 and 20 more transcripts); and 41 more; short protein forms T713I, T760I, T633I, T672I, T712I, T592I, T671I, T693I.
Identifiers: ClinVar variation 659006 (VCV000659006.14), dbSNP rs1161074446, ClinGen allele CA10597438.
Genomic context (GRCh38, chr17:43,093,252, plus strand): 5'-TGAGTGCCATAATCAGTACCAGGTACCAATGAAATACTGCTACTCTCTACAGATCTTTCA[G>A]TTTGCAAAACCCTTTCTCCACTTAACATGAGATCTTTGGGGTCTTCAGCATTATTAGACA-3'
Protein context (NP_009225.1, residues 750-770): LMLSGERVLQ[Thr760Ile]ERSVESSSIS

ClinVar aggregate classification (germline): Conflicting classifications of pathogenicity. Review status: criteria provided, conflicting classifications (1 of 4 stars). 3 submissions from 3 submitters: Uncertain significance (1); Likely benign (2). Last evaluated 2023-07-26.

Conditions:
Hereditary cancer-predisposing syndrome. Also called: Hereditary neoplastic syndrome; Neoplastic Syndromes, Hereditary; Hereditary Cancer Syndrome; Tumor predisposition. Identifiers: Orphanet 140162, MedGen C0027672, MeSH D009386, MONDO:0015356.
Hereditary breast ovarian cancer syndrome. Also called: BRCA1- and BRCA2-Associated Hereditary Breast and Ovarian Cancer; Hereditary breast and ovarian cancer syndrome; Hereditary breast and ovarian cancer syndrome (HBOC); Hereditary breast and/or ovarian cancer syndrome; Breast and ovarian cancer; Hereditary breast and ovarian cancer. Identifiers: Orphanet 145, MedGen C0677776, MeSH D061325, MONDO:0003582. Disease mechanism: loss of function.

Allele frequency attached by ClinVar (database versions not stated): gnomAD exomes below 0.00001.
gnomAD v4.1: 2 of 1,614,038 alleles (0.00012%); highest among the groups gnomAD compares: East Asian, 0.0022%; no homozygotes.

Submissions (3):

Labcorp Genetics (formerly Invitae), Labcorp
Classification: Uncertain significance for Hereditary breast ovarian cancer syndrome. Last evaluated: 2023-07-26. Review status: criteria provided, single submitter. Criteria: Invitae Variant Classification Sherloc (09022015). Collection method: clinical testing. Allele origin: germline.
Comment: In summary, the available evidence is currently insufficient to determine the role of this variant in disease. Therefore, it has been classified as a Variant of Uncertain Significance. Advanced modeling of protein sequence and biophysical properties (such as structural, functional, and spatial information, amino acid conservation, physicochemical variation, residue mobility, and thermodynamic stability) performed at Invitae indicates that this missense variant is not expected to disrupt BRCA1 protein function. ClinVar contains an entry for this variant (Variation ID: 659006). This variant has not been reported in the literature in individuals affected with BRCA1-related conditions. This variant is present in population databases (no rsID available, gnomAD 0.006%). This sequence change replaces threonine, which is neutral and polar, with isoleucine, which is neutral and non-polar, at codon 760 of the BRCA1 protein (p.Thr760Ile).

University of Washington Department of Laboratory Medicine, University of Washington
Classification: Likely benign for Hereditary cancer-predisposing syndrome. Last evaluated: 2023-03-23. Review status: criteria provided, single submitter. Criteria: Dines et al. (Genet Med. 2020). Collection method: curation. Allele origin: germline.
Comment: Missense variant in a coldspot region where missense variants are very unlikely to be pathogenic (PMID:31911673).

BRCA1 coldspot (exon 11 using historical exon numbering). Reclassification based on statistical prior probability

Ambry Genetics
Classification: Likely benign for Hereditary cancer-predisposing syndrome. Last evaluated: 2021-12-10. Review status: criteria provided, single submitter. Criteria: Ambry Variant Classification Scheme 2023. Collection method: clinical testing. Allele origin: germline.